The following is an entry in ClinVar:

ClinVar aggregate classification (germline): Likely benign (1 of 4 stars; one submission).

Conditions:
SEMA3D-related disorder. Also called: SEMA3D-related condition.

Submission:

PreventionGenetics, part of Exact Sciences
Classification: Likely benign for SEMA3D-related condition. Last evaluated: 2026-09-01. Review status: criteria provided, single submitter. Criteria: ACMG Guidelines, 2015. Collection method: clinical testing. Allele origin: germline.
Comment: This variant is classified as likely benign based on ACMG/AMP sequence variant interpretation guidelines (Richards et al. 2015 PMID: 25741868, with internal and published modifications).

NM_001384900.1(SEMA3D):c.660G>A (p.Gly220=)

Gene: SEMA3D (semaphorin 3D; minus strand). Cytogenetic location: 7q21.11.
Variant type: single nucleotide variant.
Coding change: c.660G>A on transcript NM_001384900.1 (MANE Select); coding-DNA position 660, G replaced by A.
Protein change: p.Gly220=; no amino-acid change (glycine 220 retained).
Molecular consequence: synonymous variant.
Genome position (GRCh38, 1-based): chr7:85,065,482, C>T on the plus strand (G>A on the coding strand, the complement: SEMA3D is on the minus strand). VCF-style: chr7-85065482-C-T. GRCh37 (hg19) VCF-style: chr7-84694798-C-T.
Other names: c.660G>A, p.Gly220= (NM_001384901.1, NM_001384902.1, NM_001384903.1 and 1 more transcripts).
Identifiers: ClinVar variation 4985755 (VCV004985755.1).